The following is an entry in ClinVar:

ClinVar aggregate classification (germline): Uncertain significance (1 of 4 stars; one submission).

Submission:

GeneDx
Classification: Uncertain significance. Last evaluated: 2019-12-05. Review status: criteria provided, single submitter. Criteria: GeneDx Variant Classification Process June 2021. Collection method: clinical testing. Allele origin: germline. Affected: yes.
Comment: Not observed in large population cohorts (Lek et al., 2016); In silico analysis, which includes protein predictors and evolutionary conservation, supports a deleterious effect; Has not been previously published as pathogenic or benign to our knowledge

NM_001374828.1(ARID1B):c.5132C>T (p.Pro1711Leu)

Gene: ARID1B (AT-rich interaction domain 1B; plus strand). Cytogenetic location: 6q25.3.
Variant type: single nucleotide variant.
Coding change: c.5132C>T on transcript NM_001374828.1 (MANE Select); coding-DNA position 5132, C replaced by T.
Protein change: p.Pro1711Leu; replaces proline 1711 with leucine.
Molecular consequence: missense variant.
Genome position (GRCh38, 1-based): chr6:157,201,357, C>T. VCF-style: chr6-157201357-C-T. GRCh37 (hg19) VCF-style: chr6-157522491-C-T.
Other names: c.4763C>T (NM_020732.3); c.2633C>T, p.Pro878Leu (NM_001363725.2); c.5012C>T, p.Pro1671Leu (NM_001371656.1, NM_001374820.1); c.4973C>T, p.Pro1658Leu (NM_017519.3); short protein forms P1658L, P1671L, P1711L, P878L.
Identifiers: ClinVar variation 1311074 (VCV001311074.2), dbSNP rs781086610, ClinGen allele CA366242726.